The following is an entry in ClinVar:

ClinVar aggregate classification (germline): Pathogenic/Likely pathogenic. Review status: criteria provided, multiple submitters, no conflicts (2 of 4 stars). 5 submissions from 4 submitters: Pathogenic (1); Likely pathogenic (1). 3 of the submissions do not count toward it. Last evaluated 2026-09-08.

Conditions:
Episodic ataxia type 2 (EA2). Also called: CEREBELLAR ATAXIA, PAROXYSMAL, ACETAZOLAMIDE-RESPONSIVE; CEREBELLOPATHY, HEREDITARY PAROXYSMAL; EPISODIC ATAXIA, NYSTAGMUS-ASSOCIATED; ACETAZOLAMIDE-RESPONSIVE HEREDITARY PAROXYSMAL CEREBELLAR ATAXIA; ATAXIA, EPISODIC, WITH NYSTAGMUS; ATAXIA, FAMILIAL PAROXYSMAL. Identifiers: Orphanet 97, MedGen C1720416, MONDO:0007163, OMIM 108500.
Developmental and epileptic encephalopathy, 42 (DEE42A). Also called: DEVELOPMENTAL AND EPILEPTIC ENCEPHALOPATHY 42A; EPILEPTIC ENCEPHALOPATHY, EARLY INFANTILE, 42A; Epileptic encephalopathy, early infantile, 42. Identifiers: MedGen C4310716, MONDO:0014917, OMIM 617106.
Spinocerebellar ataxia type 6 (SCA6). Identifiers: Orphanet 98758, MedGen C0752124, MONDO:0008457, OMIM 183086.

Submissions (5):

GeneDx
Classification: Likely pathogenic. Last evaluated: 2026-09-08. Review status: criteria provided, single submitter. Criteria: GeneDx Variant Classification Process June 2021. Collection method: clinical testing. Allele origin: germline.
Comment: Published functional studies demonstrate altered channel function (PMID: 15985579, 11742003); In silico analysis supports that this missense variant has a deleterious effect on protein structure/function; Not observed at significant frequency in large population cohorts (gnomAD); This variant is associated with the following publications: (PMID: 11742003, 11179022, 16325861, 18602318, 32899500, 12707077, 32116539, 9345107, 38869769, 37422902, 15985579, 40869402)

Labcorp Genetics (formerly Invitae), Labcorp
Classification: Pathogenic for Developmental and epileptic encephalopathy, 42; Episodic ataxia type 2. Last evaluated: 2024-06-05. Review status: criteria provided, single submitter. Criteria: Invitae Variant Classification Sherloc (09022015). Collection method: clinical testing. Allele origin: germline.
Comment: This sequence change replaces glycine, which is neutral and non-polar, with arginine, which is basic and polar, at codon 293 of the CACNA1A protein (p.Gly293Arg). This variant is not present in population databases (gnomAD no frequency). This missense change has been observed in individuals with clinical features of episodic ataxia type 2 (PMID: 9345107; Invitae). It has also been observed to segregate with disease in related individuals. ClinVar contains an entry for this variant (Variation ID: 8496). Advanced modeling of protein sequence and biophysical properties (such as structural, functional, and spatial information, amino acid conservation, physicochemical variation, residue mobility, and thermodynamic stability) performed at Invitae indicates that this missense variant is expected to disrupt CACNA1A protein function with a positive predictive value of 95%. Experimental studies have shown that this missense change affects CACNA1A function (PMID: 11742003, 15985579, 18434528). For these reasons, this variant has been classified as Pathogenic.

OMIM
Classification: Pathogenic for SPINOCEREBELLAR ATAXIA 6. Last evaluated: 2005-06-28. Review status: no assertion criteria provided. Collection method: literature only. Allele origin: germline. Not counted in ClinVar's aggregate classification.

OMIM
Classification: Pathogenic for EPISODIC ATAXIA, TYPE 2. Last evaluated: 2005-06-28. Review status: no assertion criteria provided. Collection method: literature only. Allele origin: germline. Not counted in ClinVar's aggregate classification.

UniProtKB/Swiss-Prot
No classification provided. Condition: Spinocerebellar ataxia 6. Review status: no classification provided. Collection method: not provided. Allele origin: not provided. Not counted in ClinVar's aggregate classification.

Literature cited by the submitters: PubMed 9345107 (cited by Labcorp Genetics (formerly Invitae), Labcorp and OMIM); PubMed 11742003 (cited by Labcorp Genetics (formerly Invitae), Labcorp); PubMed 15985579 (cited by Labcorp Genetics (formerly Invitae), Labcorp and OMIM); PubMed 18434528 (cited by Labcorp Genetics (formerly Invitae), Labcorp).

NM_001127222.2(CACNA1A):c.877G>A (p.Gly293Arg)

Gene: CACNA1A (calcium voltage-gated channel subunit alpha1 A; minus strand). Cytogenetic location: 19p13.13.
Variant type: single nucleotide variant.
Coding change: c.877G>A on transcript NM_001127222.2 (MANE Select); coding-DNA position 877, G replaced by A.
Protein change: p.Gly293Arg; replaces glycine 293 with arginine.
Molecular consequence: missense variant.
Genome position (GRCh38, 1-based): chr19:13,359,707, C>T on the plus strand (G>A on the coding strand, the complement: CACNA1A is on the minus strand). VCF-style: chr19-13359707-C-T. GRCh37 (hg19) VCF-style: chr19-13470521-C-T.
Other names: c.877G>A, p.Gly293Arg (NM_000068.4, NM_001127221.2, NM_001174080.2 and 1 more transcripts); short protein forms G293R.
Identifiers: ClinVar variation 8496 (VCV000008496.10), dbSNP rs121908215, ClinGen allele CA254437.